The following is an entry in ClinVar:

NM_145239.3(PRRT2):c.640dup (p.Ala214fs)

Genes: MVP-DT (MVP divergent transcript; minus strand), PRRT2 (proline rich transmembrane protein 2; plus strand). Cytogenetic location: 16p11.2.
Variant type: Duplication.
Coding change: c.640dup on transcript NM_145239.3 (MANE Select); coding-DNA position 640, one base duplicated (G; older notation c.640dupG).
Protein change: p.Ala214fs; shifts the reading frame from alanine 214.
Molecular consequence: frameshift variant.
Genome position (GRCh38, 1-based): chr16:29,813,694, G duplicated; the last of 4 consecutive G bases (chr16:29,813,691-29,813,694); duplicating any one gives the same sequence. VCF-style (leftmost placement, unchanged base first): chr16-29813690-T-TG. GRCh37 (hg19) VCF-style: chr16-29825011-T-TG.
Other names: c.640dup, p.Ala214fs (NM_001256442.2, NM_001256443.2); short protein forms A214fs.
Identifiers: ClinVar variation 2845169 (VCV002845169.3), dbSNP rs769519069, ClinGen allele CA2739266714.

ClinVar aggregate classification (germline): Pathogenic (1 of 4 stars; one submission).

Conditions:
Episodic kinesigenic dyskinesia (EKD). Also called: Paroxysmal kinesigenic dyskinesia. Identifiers: Orphanet 98809, MedGen C1868682, MONDO:0044202.

Submission:

Labcorp Genetics (formerly Invitae), Labcorp
Classification: Pathogenic for Episodic kinesigenic dyskinesia. Last evaluated: 2023-10-16. Review status: criteria provided, single submitter. Criteria: Invitae Variant Classification Sherloc (09022015). Collection method: clinical testing. Allele origin: germline.
Comment: This sequence change creates a premature translational stop signal (p.Ala214Glyfs*11) in the PRRT2 gene. It is expected to result in an absent or disrupted protein product. Loss-of-function variants in PRRT2 are known to be pathogenic (PMID: 22623405, 22744660). This variant is not present in population databases (gnomAD no frequency). This variant has not been reported in the literature in individuals affected with PRRT2-related conditions. For these reasons, this variant has been classified as Pathogenic.

Literature cited by the submitters: PubMed 22623405; PubMed 22744660.